The following is an entry in ClinVar:

ClinVar aggregate classification (germline): Likely benign (0 of 4 stars; one submission).

Conditions:
ARID1A-related disorder. Also called: ARID1A-related condition.

Allele frequency attached by ClinVar (database versions not stated): TOPMed 0.00002; gnomAD 0.00003; gnomAD exomes 0.00003; ExAC 0.00007.
gnomAD v4.1: 46 of 1,614,116 alleles (0.0028%); highest among the groups gnomAD compares: South Asian, 0.037%; no homozygotes.

Submission:

PreventionGenetics, part of Exact Sciences
Classification: Likely benign for ARID1A-related condition. Last evaluated: 2019-05-23. Review status: no assertion criteria provided. Collection method: clinical testing. Allele origin: germline.
Comment: This variant is classified as likely benign based on ACMG/AMP sequence variant interpretation guidelines (Richards et al. 2015 PMID: 25741868, with internal and published modifications).

NM_006015.6(ARID1A):c.4446C>T (p.Gly1482=)

Gene: ARID1A (AT-rich interaction domain 1A; plus strand). Cytogenetic location: 1p36.11.
Variant type: single nucleotide variant.
Coding change: c.4446C>T on transcript NM_006015.6 (MANE Select); coding-DNA position 4446, C replaced by T.
Protein change: p.Gly1482=; no amino-acid change (glycine 1482 retained).
Molecular consequence: synonymous variant. On other transcripts: intron variant (1).
Genome position (GRCh38, 1-based): chr1:26,774,673, C>T. VCF-style: chr1-26774673-C-T. GRCh37 (hg19) VCF-style: chr1-27101164-C-T.
Other names: c.4102-307C>T (NM_139135.4).
Identifiers: ClinVar variation 3039152 (VCV003039152.2), dbSNP rs752354591, ClinGen allele CA707458.
Genomic context (GRCh38, chr1:26,774,673, plus strand): 5'-CCGTGTCTCTGCACCCCCTGGCACCAATGCCCAGCAAAACATGCCACCACAAATGATGGG[C>T]GGCCCCATACAGGCATCAGCTGAGGTTGCTCAGCAAGGCACCATGTGGCAGGGGCGTAAT-3'
Protein context (NP_006006.3, residues 1472-1492): AQQNMPPQMM[Gly1482=]GPIQASAEVA